The following is an entry in ClinVar:

ClinVar aggregate classification (germline): Uncertain significance (1 of 4 stars; one submission).

Allele frequency attached by ClinVar (database versions not stated): gnomAD exomes below 0.00001 and 0.00001; TOPMed below 0.00001.

Submission:

Labcorp Genetics (formerly Invitae), Labcorp
Classification: Uncertain significance. Last evaluated: 2022-08-23. Review status: criteria provided, single submitter. Criteria: Invitae Variant Classification Sherloc (09022015). Collection method: clinical testing. Allele origin: germline.
Comment: ClinVar contains an entry for this variant (Variation ID: 1022386). In summary, the available evidence is currently insufficient to determine the role of this variant in disease. Therefore, it has been classified as a Variant of Uncertain Significance. Experimental studies and prediction algorithms are not available or were not evaluated, and the functional significance of this variant is currently unknown. This variant has not been reported in the literature in individuals affected with VCAN-related conditions. This variant is present in population databases (no rsID available, gnomAD 0.0009%). This variant, c.6308_6310del, is a complex sequence change that results in the deletion of 2 and insertion of 1 amino acid(s) in the VCAN protein (p.Val2103_Asn2104delinsAsp).

NM_004385.5(VCAN):c.6308_6310del (p.Val2103_Asn2104delinsAsp)

Genes: VCAN (versican; plus strand), VCAN-AS1 (VCAN antisense RNA 1; minus strand). Cytogenetic location: 5q14.3.
Variant type: Deletion.
Coding change: c.6308_6310del on transcript NM_004385.5 (MANE Select); coding-DNA positions 6308 to 6310, 3 bases deleted (TCA; older notation c.6308_6310delTCA).
Protein change: p.Val2103_Asn2104delinsAsp.
Molecular consequence: inframe indel. On other transcripts: intron variant (2).
Genome position (GRCh38, 1-based): chr5:83,539,311-83,539,313, TCA deleted. VCF-style (leftmost placement, unchanged base first): chr5-83539310-GTCA-G. GRCh37 (hg19) VCF-style: chr5-82835129-GTCA-G.
Other names: c.3347_3349del, p.Val1116_Asn1117delinsAsp (NM_001164097.2); c.4004-6226_4004-6224del (NM_001164098.2); c.1043-6226_1043-6224del (NM_001126336.3).
Identifiers: ClinVar variation 1022386 (VCV001022386.8), dbSNP rs1561256152, ClinGen allele CA561259242.